The following is an entry in ClinVar:

ClinVar aggregate classification (germline): Uncertain significance (1 of 4 stars; one submission).

Submission:

Labcorp Genetics (formerly Invitae), Labcorp
Classification: Uncertain significance. Last evaluated: 2022-01-12. Review status: criteria provided, single submitter. Criteria: Invitae Variant Classification Sherloc (09022015). Collection method: clinical testing. Allele origin: germline.
Comment: In summary, the available evidence is currently insufficient to determine the role of this variant in disease. Therefore, it has been classified as a Variant of Uncertain Significance. Advanced modeling of protein sequence and biophysical properties (such as structural, functional, and spatial information, amino acid conservation, physicochemical variation, residue mobility, and thermodynamic stability) performed at Invitae indicates that this missense variant is not expected to disrupt CPLANE1 protein function. This variant has not been reported in the literature in individuals affected with CPLANE1-related conditions. This variant is not present in population databases (gnomAD no frequency). This sequence change replaces serine, which is neutral and polar, with proline, which is neutral and non-polar, at codon 1632 of the CPLANE1 protein (p.Ser1632Pro).

NM_001384732.1(CPLANE1):c.4894T>C (p.Ser1632Pro)

Gene: CPLANE1 (ciliogenesis and planar polarity effector complex subunit 1; minus strand). Cytogenetic location: 5p13.2.
Variant type: single nucleotide variant.
Coding change: c.4894T>C on transcript NM_001384732.1 (MANE Select); coding-DNA position 4894, T replaced by C.
Protein change: p.Ser1632Pro; replaces serine 1632 with proline.
Molecular consequence: missense variant.
Genome position (GRCh38, 1-based): chr5:37,183,287, A>G on the plus strand (T>C on the coding strand, the complement: CPLANE1 is on the minus strand). VCF-style: chr5-37183287-A-G. GRCh37 (hg19) VCF-style: chr5-37183389-A-G.
Other names: c.4894T>C, p.Ser1632Pro (NM_023073.4); short protein forms S1632P.
Identifiers: ClinVar variation 2421065 (VCV002421065.6), dbSNP rs2547831098, ClinGen allele CA359495385.